The following is an entry in ClinVar:

NM_015450.3(POT1):c.631dup (p.His211fs)

Gene: POT1 (protection of telomeres 1; minus strand). Cytogenetic location: 7q31.33.
Variant type: Duplication.
Coding change: c.631dup on transcript NM_015450.3 (MANE Select); coding-DNA position 631, one base duplicated (C; older notation c.631dupC).
Protein change: p.His211fs; shifts the reading frame from histidine 211.
Molecular consequence: frameshift variant. On other transcripts: non-coding transcript variant (3).
Genome position (GRCh38, 1-based): chr7:124,859,028, G duplicated on the plus strand (C on the coding strand, the reverse complement: POT1 is on the minus strand); the first of 2 consecutive G bases (chr7:124,859,028-124,859,029); duplicating either gives the same sequence. VCF-style (leftmost placement, unchanged base first): chr7-124859027-T-TG. GRCh37 (hg19) VCF-style: chr7-124499081-T-TG.
Other names: c.238dup, p.His80fs (NM_001042594.2); short protein forms H211fs, H80fs.
Identifiers: ClinVar variation 1348991 (VCV001348991.8), dbSNP rs2116525878, ClinGen allele CA2573141671.
Genomic context (GRCh38, chr7:124,859,027, plus strand): 5'-CTTGCCACATGAACATGGTTATCGTAGACTAAAATGTCTATTGTCAGATTTTGTAGCCGA[T>TG]GGATGTGACTTAAATCACCTTCAAGAACAAGGTCTTGTATTAAGACTCTCCAAGATGGAA-3'

ClinVar aggregate classification (germline): Pathogenic. Review status: criteria provided, multiple submitters, no conflicts (2 of 4 stars). 2 submissions from 2 submitters: Pathogenic (2). Last evaluated 2022-09-19.

Conditions:
Tumor predisposition syndrome 3 (TPDS3). Also called: Melanoma, cutaneous malignant, susceptibility to, 10; Glioma susceptibility 9; LONG TELOMERE SYNDROME, POT1-RELATED; POT1 Tumor Predisposition. Identifiers: Orphanet 618, MedGen C4014476, MONDO:0014368, OMIM 615848.
Hereditary cancer-predisposing syndrome. Also called: Neoplastic Syndromes, Hereditary; Tumor predisposition; Hereditary Cancer Syndrome; Hereditary neoplastic syndrome. Identifiers: Orphanet 140162, MedGen C0027672, MeSH D009386, MONDO:0015356.

Submissions (2):

Labcorp Genetics (formerly Invitae), Labcorp
Classification: Pathogenic for Tumor predisposition syndrome 3. Last evaluated: 2022-09-19. Review status: criteria provided, single submitter. Criteria: Invitae Variant Classification Sherloc (09022015). Collection method: clinical testing. Allele origin: germline.
Comment: This variant is not present in population databases (gnomAD no frequency). This sequence change creates a premature translational stop signal (p.His211Profs*15) in the POT1 gene. It is expected to result in an absent or disrupted protein product. Loss-of-function variants in POT1 are known to be pathogenic (PMID: 32155570). This variant has not been reported in the literature in individuals affected with POT1-related conditions. ClinVar contains an entry for this variant (Variation ID: 1348991). Algorithms developed to predict the effect of sequence changes on RNA splicing suggest that this variant may disrupt the consensus splice site. For these reasons, this variant has been classified as Pathogenic.

Ambry Genetics
Classification: Pathogenic for Hereditary cancer-predisposing syndrome. Last evaluated: 2021-03-24. Review status: criteria provided, single submitter. Criteria: Ambry Variant Classification Scheme 2023. Collection method: clinical testing. Allele origin: germline.
Comment: The c.631dupC pathogenic mutation, located in coding exon 5 of the POT1 gene, results from a duplication of C at nucleotide position 631, causing a translational frameshift with a predicted alternate stop codon (p.H211Pfs*15). This alteration is expected to result in loss of function by premature protein truncation or nonsense-mediated mRNA decay. As such, this alteration is interpreted as a disease-causing mutation.

Literature cited by the submitters: PubMed 32155570 (cited by Labcorp Genetics (formerly Invitae), Labcorp).